The following is an entry in ClinVar:

NM_003737.4(DCHS1):c.7285+5G>A

Gene: DCHS1 (dachsous cadherin-related 1; minus strand). Cytogenetic location: 11p15.4.
Variant type: single nucleotide variant.
Coding change: c.7285+5G>A on transcript NM_003737.4 (MANE Select); 5 bases into the intron after coding-DNA position 7285, G replaced by A.
Molecular consequence: intron variant.
Genome position (GRCh38, 1-based): chr11:6,624,725, C>T on the plus strand (G>A on the coding strand, the complement: DCHS1 is on the minus strand). VCF-style: chr11-6624725-C-T. GRCh37 (hg19) VCF-style: chr11-6645956-C-T.
Identifiers: ClinVar variation 4974662 (VCV004974662.1).
Genomic context (GRCh38, chr11:6,624,725, plus strand): 5'-GGAATGAGGTCAGATTACAGCCCAACACAGTCAAAGGCAAGGGGCAGATCCTGGGAAAGA[C>T]GCACCATTGTTGGGGTCAACACTGAAGCCATCGGCAGGGGAAGCCAGGTGGTAGGAAATG-3'

ClinVar aggregate classification (germline): Uncertain significance (1 of 4 stars; one submission).

Conditions:
Van Maldergem syndrome 1 (VMLDS1). Also called: Van Maldergem syndrome 1 (VMLDS1). Identifiers: Orphanet 314679, MedGen C4551950, MONDO:0011070, OMIM 601390.

gnomAD v4.1: 5 of 1,613,878 alleles (0.00031%); highest among the groups gnomAD compares: Admixed American, 0.0017%; no homozygotes.

Submission:

Clinical Genomics Laboratory, Washington University in St. Louis
Classification: Uncertain significance for Van Maldergem syndrome 1. Last evaluated: 2025-10-17. Review status: criteria provided, single submitter. Criteria: ACMG Guidelines, 2015. Collection method: clinical testing. Allele origin: germline.
Comment: A DCHS1 c.7285+5G>A variant was identified at a near heterozygous allelic fraction of 47.1%, a frequency which may be consistent with it being of germline origin. This variant, to our knowledge, has not been reported in the medical literature or the ClinVar database. This variant is only observed on 5/1,613,878 alleles in the general population (gnomAD v4.1.0), indicating it is not a common variant. Computational predictors indicate that this variant would alter splicing, evidence that correlates to an impact of this variant on DCHS1 function. Due to limited information, and based on ACMG/AMP guidelines for variant interpretation (Richards S et al., PMID: 25741868), the clinical significance of this variant is uncertain at this time.